The following is an entry in ClinVar:

ClinVar aggregate classification (germline): Uncertain significance (1 of 4 stars; one submission).

Conditions:
Tuberous sclerosis 1 (TSC1). Identifiers: Orphanet 805, MedGen C1854465, MONDO:0008612, OMIM 191100.

Submission:

Labcorp Genetics (formerly Invitae), Labcorp
Classification: Uncertain significance for Tuberous sclerosis 1. Last evaluated: 2018-08-05. Review status: criteria provided, single submitter. Criteria: Invitae Variant Classification Sherloc (09022015). Collection method: clinical testing. Allele origin: germline.
Comment: This sequence change replaces methionine with leucine at codon 194 of the TSC1 protein (p.Met194Leu). The methionine residue is highly conserved and there is a small physicochemical difference between methionine and leucine. This variant is not present in population databases (ExAC no frequency). This variant has not been reported in the literature in individuals with TSC1-related disease. Algorithms developed to predict the effect of missense changes on protein structure and function are either unavailable or do not agree on the potential impact of this missense change (SIFT: "Deleterious"; PolyPhen-2: "Possibly Damaging"; Align-GVGD: "Class C0"). In summary, the available evidence is currently insufficient to determine the role of this variant in disease. Therefore, it has been classified as a Variant of Uncertain Significance.

NM_000368.5(TSC1):c.580A>C (p.Met194Leu)

Gene: TSC1 (TSC complex subunit 1; minus strand). Cytogenetic location: 9q34.13.
Variant type: single nucleotide variant.
Coding change: c.580A>C on transcript NM_000368.5 (MANE Select); coding-DNA position 580, A replaced by C.
Protein change: p.Met194Leu; replaces methionine 194 with leucine.
Molecular consequence: missense variant.
Genome position (GRCh38, 1-based): chr9:132,921,902, T>G on the plus strand (A>C on the coding strand, the complement: TSC1 is on the minus strand). VCF-style: chr9-132921902-T-G. GRCh37 (hg19) VCF-style: chr9-135797289-T-G.
Other names: c.580A>C, p.Met194Leu (NM_001162426.2); c.427A>C, p.Met143Leu (NM_001162427.2); c.217A>C, p.Met73Leu (NM_001362177.2); short protein forms M143L, M194L, M73L.
Identifiers: ClinVar variation 664479 (VCV000664479.8), dbSNP rs1588347278, ClinGen allele CA375372633.